The following is an entry in ClinVar:

ClinVar aggregate classification (germline): Benign (1 of 4 stars; one submission).

Conditions:
Familial adenomatous polyposis 1 (FAP1). Also called: POLYPOSIS, ADENOMATOUS INTESTINAL; FAMILIAL ADENOMATOUS POLYPOSIS 1, ATTENUATED. Identifiers: MedGen C2713442, MONDO:0021056, OMIM 175100. Disease mechanism: loss of function.

Submission:

Myriad Genetics, Inc.
Classification: Benign for Familial adenomatous polyposis 1. Last evaluated: 2024-03-27. Review status: criteria provided, single submitter. Criteria: Myriad Autosomal Dominant, Autosomal Recessive and X-Linked Classification Criteria (2023). Collection method: clinical testing. Allele origin: unknown.
Comment: This variant is considered benign. This variant is a silent/synonymous amino acid change and it is not expected to impact splicing.

NM_000038.6(APC):c.4731A>G (p.Glu1577=)

Gene: APC (APC regulator of Wnt signaling pathway; plus strand). Cytogenetic location: 5q22.2.
Variant type: single nucleotide variant.
Coding change: c.4731A>G on transcript NM_000038.6 (MANE Select); coding-DNA position 4731, A replaced by G.
Protein change: p.Glu1577=; no amino-acid change (glutamic acid 1577 retained).
Molecular consequence: synonymous variant. On other transcripts: non-coding transcript variant (2).
Genome position (GRCh38, 1-based): chr5:112,840,325, A>G. VCF-style: chr5-112840325-A-G. GRCh37 (hg19) VCF-style: chr5-112176022-A-G.
Other names: c.4731A>G, p.Glu1577= (NM_001127510.3, NM_001354895.2, NM_001407450.1); c.4677A>G, p.Glu1559= (NM_001127511.3); c.4785A>G, p.Glu1595= (NM_001354896.2, NM_001407447.1, NM_001407448.1 and 1 more transcripts); c.4761A>G, p.Glu1587= (NM_001354897.2); c.4656A>G, p.Glu1552= (NM_001354898.2); c.4647A>G, p.Glu1549= (NM_001354899.2); c.4608A>G, p.Glu1536= (NM_001354900.2); c.4554A>G, p.Glu1518= (NM_001354901.2, NM_001407453.1); and 11 more.
Identifiers: ClinVar variation 3148114 (VCV003148114.1), dbSNP rs2149922318, ClinGen allele CA446206698.